The following is an entry in ClinVar:

ClinVar aggregate classification (germline): Conflicting classifications of pathogenicity. Review status: criteria provided, conflicting classifications (1 of 4 stars). 3 submissions from 3 submitters: Uncertain significance (2); Likely benign (1). Last evaluated 2025-08-08.

Conditions:
Cataract 21 multiple types. Also called: Cataract, congenital, cerulean type, 4; CATARACT 21, MULTIPLE TYPES, WITH OR WITHOUT MICROCORNEA; CATARACT 21, CERULEAN, WITH OR WITHOUT MICROCORNEA; CATARACT 21, MULTIPLE TYPES, WITH MICROCORNEA. Identifiers: Orphanet 91492, MedGen C1857768, MONDO:0012437, OMIM 610202.
Ayme-Gripp syndrome. Also called: Aymé-Gripp Syndrome. Identifiers: MedGen C1832812, MONDO:0010992, OMIM 601088.

Allele frequency attached by ClinVar (database versions not stated): gnomAD 0.00003; TOPMed 0.00005; gnomAD exomes 0.00028; ExAC 0.00375.
gnomAD v4.1: 144 of 1,441,900 alleles (0.01%); highest among the groups gnomAD compares: Middle Eastern, 0.19%; no homozygotes.

Submissions (3):

Labcorp Genetics (formerly Invitae), Labcorp
Classification: Likely benign for Cataract 21 multiple types; Ayme-Gripp syndrome. Last evaluated: 2025-08-08. Review status: criteria provided, single submitter. Criteria: Invitae Variant Classification Sherloc (09022015). Collection method: clinical testing. Allele origin: germline.

CeGaT Center for Human Genetics Tuebingen
Classification: Uncertain significance. Last evaluated: 2024-10-01. Review status: criteria provided, single submitter. Criteria: CeGaT Center For Human Genetics Tuebingen Variant Classification Criteria Version 2. Collection method: clinical testing. Allele origin: germline. Affected: yes. Observed: 1 variant allele.
Comment: MAF: PP2, PP3

Victorian Clinical Genetics Services, Murdoch Childrens Research Institute
Classification: Uncertain significance for Cataract 21 multiple types. Last evaluated: 2021-05-06. Review status: criteria provided, single submitter. Criteria: ACMG Guidelines, 2015. Collection method: clinical testing. Allele origin: germline. Inheritance: Autosomal dominant inheritance.
Comment: Based on the classification scheme VCGS_Germline_v1.3.4, this variant is classified as VUS-3C. Following criteria are met: 0103 - Both loss- and gain-of-function are likely mechanisms of disease for this gene. Variants within the C-terminus are associated with ocular disease and may lead to loss-of-function of the protein. While variants within the N-terminus are associated with Ayme-Gripp syndrome and have been shown to result in protein stabilization (PMID: 25064449, 30659945, 25865493). (N) 0107 - This gene is associated with autosomal dominant disease. (I) 0115 - Variants in this gene are known to have variable expressivity (PMID: 25064449, 30659945). (I) 0200 - Variant is predicted to result in a missense amino acid change from leucine to methionine. (I) 0251 - This variant is heterozygous. (I) 0310 - Variant is present in gnomAD (v2) >=0.001 and <0.01 for a dominant condition (15 heterozygotes, 0 homozygotes). (I) 0503 - Missense variant consistently predicted to be tolerated by multiple in silico tools or not conserved in placental mammals with a minor amino acid change. (SB) 0604 - Variant is not located in an established domain, motif, hotspot or informative constraint region. (I) 0705 - No comparable missense variants have previous evidence for pathogenicity. (I) 0807 - This variant has no previous evidence of pathogenicity. (I) 0905 - No published segregation evidence has been identified for this variant. (I) 1007 - No published functional evidence has been identified for this variant. (I) 1208 - Inheritance information for this variant is not currently available in this individual. (I) Legend: (SP) - Supporting pathogenic, (I) - Information, (SB) - Supporting benign

Literature cited by the submitters: PubMed 25064449 (cited by Victorian Clinical Genetics Services, Murdoch Childrens Research Institute); PubMed 25865493 (cited by Victorian Clinical Genetics Services, Murdoch Childrens Research Institute); PubMed 30659945 (cited by Victorian Clinical Genetics Services, Murdoch Childrens Research Institute).

NM_005360.5(MAF):c.412C>A (p.Leu138Met)

Gene: MAF (MAF bZIP transcription factor; minus strand). Cytogenetic location: 16q23.2.
Variant type: single nucleotide variant.
Coding change: c.412C>A on transcript NM_005360.5 (MANE Select); coding-DNA position 412, C replaced by A.
Protein change: p.Leu138Met; replaces leucine 138 with methionine.
Molecular consequence: missense variant.
Genome position (GRCh38, 1-based): chr16:79,599,491, G>T on the plus strand (C>A on the coding strand, the complement: MAF is on the minus strand). VCF-style: chr16-79599491-G-T. GRCh37 (hg19) VCF-style: chr16-79633388-G-T.
Other names: c.412C>A, p.Leu138Met (NM_001031804.3); short protein forms L138M.
Identifiers: ClinVar variation 1699336 (VCV001699336.22), dbSNP rs771268967, ClinGen allele CA8184056.
Genomic context (GRCh38, chr16:79,599,491, plus strand): 5'-CCATCTCCTCGCCGCTGCCGCCCAAGGAGGCGCCGGCACCGGCCCCGGCCGCCGCGGCCA[G>T]CTGCTGCGCCCCGCGCGCGTAGCCATCGAAGCCGCCCTGGAGCTGGTGGCTGTTGCTGAT-3'
Protein context (NP_005351.2, residues 128-148): FDGYARGAQQ[Leu138Met]AAAAGAGAGA